The following is an entry in ClinVar:

ClinVar aggregate classification (germline): Uncertain significance. Review status: criteria provided, multiple submitters, no conflicts (2 of 4 stars). 2 submissions from 2 submitters: Uncertain significance (2). Last evaluated 2025-11-10.

Conditions:
Cardiovascular phenotype. Identifiers: MedGen CN230736.
Cardiomyopathy (CMYO). Also called: Cardiomyopathies. Identifiers: Orphanet 167848, MedGen C0878544, MONDO:0004994, HP:0001638. Inheritance: Various modes of inheritance.

Allele frequency attached by ClinVar (database versions not stated): gnomAD exomes below 0.00001.

Submissions (2):

Ambry Genetics
Classification: Uncertain significance for Cardiovascular phenotype. Last evaluated: 2025-11-10. Review status: criteria provided, single submitter. Criteria: Ambry Variant Classification Scheme 2023. Collection method: clinical testing. Allele origin: germline.
Comment: The c.12630_12632delAGA variant (also known as p.E4212del) is located in coding exon 44 of the TTN gene. This variant results from an in-frame AGA deletion at nucleotide positions 12630 to 12632. This results in the in-frame deletion of a glutamic acid at codon 4212. This amino acid position is poorly conserved in available vertebrate species. In addition, the in silico prediction for this variant is inconclusive (Choi Y et al. PLoS ONE. 2012; 7(10):e46688). Based on the available evidence, the clinical significance of this variant remains unclear.

CHEO Genetics Diagnostic Laboratory, Children's Hospital of Eastern Ontario
Classification: Uncertain significance for Cardiomyopathy. Last evaluated: 2019-10-28. Review status: criteria provided, single submitter. Criteria: ACMG Guidelines, 2015. Collection method: clinical testing. Allele origin: germline.

NM_001267550.2(TTN):c.13719_13721del (p.Glu4575del)

Gene: TTN (titin; minus strand). Cytogenetic location: 2q31.2.
Variant type: Deletion.
Coding change: c.13719_13721del on transcript NM_001267550.2 (MANE Select); coding-DNA positions 13719 to 13721, 3 bases deleted (AGA; older notation c.13719_13721delAGA).
Protein change: p.Glu4575del; deletes glutamic acid 4575.
Molecular consequence: inframe deletion. On other transcripts: intron variant (1).
Genome position (GRCh38, 1-based): chr2:178,739,512-178,739,514, TCT deleted on the plus strand (AGA on the coding strand, the reverse complement: TTN is on the minus strand). VCF-style (leftmost placement, unchanged base first): chr2-178739511-CTCT-C. GRCh37 (hg19) VCF-style: chr2-179604238-CTCT-C.
Other names: c.13206_13208del, p.Glu4404del (NM_133437.4); c.10361-1154_10361-1152del (NM_133378.4); c.12768_12770del, p.Glu4258del (NM_001256850.1); c.12630_12632del, p.Glu4212del (NM_003319.4); c.13005_13007del, p.Glu4337del (NM_133432.3); c.12630_12632delAGA (NM_003319.4); short protein forms E4212del, E4258del, E4337del, E4404del, E4575del.
Identifiers: ClinVar variation 1329112 (VCV001329112.3), dbSNP rs1363650125, ClinGen allele CA538437882.
Genomic context (GRCh38, chr2:178,739,511, plus strand): 5'-CTGTATCTTTACTGTAGCAACCTCCTCAGTACCACTTTCAGAGGAAGACTCCTCTTTTTC[CTCT>C]GATGGTTTCAGACTCTCATCTTGTTTTTCGTCAGAGACAACAGCTGAAGCAACCCCTTTA-3'